The following is an entry in ClinVar:

ClinVar aggregate classification (germline): Uncertain significance (1 of 4 stars; one submission).

Submission:

GeneDx
Classification: Uncertain significance. Last evaluated: 2025-04-02. Review status: criteria provided, single submitter. Criteria: GeneDx Variant Classification Process June 2021. Collection method: clinical testing. Allele origin: germline. Affected: yes.
Comment: Not observed at significant frequency in large population cohorts (gnomAD); In-frame deletion of 2 amino acids and insertion of 2 different amino acids; In silico analysis supports a deleterious effect on protein structure/function; Has not been previously published as pathogenic or benign to our knowledge

NM_198578.4(LRRK2):c.6461_6463delinsTCT (p.Cys2154_Met2155delinsPheLeu)

Gene: LRRK2 (leucine rich repeat kinase 2; plus strand). Cytogenetic location: 12q12.
Variant type: Indel.
Coding change: c.6461_6463delinsTCT on transcript NM_198578.4 (MANE Select); coding-DNA positions 6461 to 6463, GCA replaced by TCT.
Protein change: p.Cys2154_Met2155delinsPheLeu.
Molecular consequence: missense variant.
Genome position (GRCh38, 1-based): chr12:40,351,618-40,351,620, GCA replaced by TCT. VCF-style: chr12-40351618-GCA-TCT. GRCh37 (hg19) VCF-style: chr12-40745420-GCA-TCT.
Identifiers: ClinVar variation 4278588 (VCV004278588.1).
Genomic context (GRCh38, chr12:40,351,618, plus strand): 5'-CAGCTGAATTAGTCTGTCTGACGAGACGCATTTTATTACCTAAAAACGTAATTGTTGAAT[GCA>TCT]TGGTTGCTACACATCACAACAGCAGGAATGCAAGCATTTGGCTGGGCTGTGGGCACACCG-3'